The following is an entry in ClinVar:

NM_001135022.2(ELMOD3):c.*5C>T

Gene: ELMOD3 (ELMO domain containing 3; plus strand). Cytogenetic location: 2p11.2.
Variant type: single nucleotide variant.
Coding change: c.*5C>T on transcript NM_001135022.2 (MANE Select); 5 bases downstream of the stop codon, C replaced by T.
Molecular consequence: 3 prime UTR variant. On other transcripts: non-coding transcript variant (3).
Genome position (GRCh38, 1-based): chr2:85,390,967, C>T. VCF-style: chr2-85390967-C-T. GRCh37 (hg19) VCF-style: chr2-85618090-C-T.
Other names: c.*5C>T (NM_001135021.2, NM_001135023.2, NM_001329791.2 and 2 more transcripts); c.*469C>T (NM_032213.5).
Identifiers: ClinVar variation 3768353 (VCV003768353.1).

ClinVar aggregate classification (germline): Uncertain significance (1 of 4 stars; one submission).

Submission:

Women's Health and Genetics/Laboratory Corporation of America, LabCorp
Classification: Uncertain significance. Last evaluated: 2024-12-02. Review status: criteria provided, single submitter. Criteria: LabCorp Variant Classification Summary - May 2015. Collection method: clinical testing. Allele origin: germline.
Comment: Variant summary: ELMOD3 c.*5C>T is located in the untranslated mRNA region downstream of the termination codon. The variant allele was found at a frequency of 3.9e-05 in 155782 control chromosomes. The available data on variant occurrences in the general population are insufficient to allow any conclusion about variant significance. To our knowledge, no occurrence of c.*5C>T in individuals affected with ELMOD3-Related Disorder and no experimental evidence demonstrating its impact on protein function have been reported. No submitters have cited clinical-significance assessments for this variant to ClinVar. Based on the evidence outlined above, the variant was classified as uncertain significance.